The following is an entry in ClinVar:

NM_001130144.3(LTBP3):c.2215_2216delinsT (p.Gly739fs)

Genes: LTBP3 (latent transforming growth factor beta binding protein 3; minus strand), LOC130006030 (ATAC-STARR-seq lymphoblastoid silent region 3533; plus strand). Cytogenetic location: 11q13.1.
Variant type: Indel.
Coding change: c.2215_2216delinsT on transcript NM_001130144.3 (MANE Select); coding-DNA positions 2215 to 2216, GG replaced by T.
Protein change: p.Gly739fs; shifts the reading frame from glycine 739.
Molecular consequence: frameshift variant.
Genome position (GRCh38, 1-based): chr11:65,546,812-65,546,813, CC replaced by A on the plus strand (GG replaced by T on the coding strand, the reverse complement: LTBP3 is on the minus strand). VCF-style: chr11-65546812-CC-A. GRCh37 (hg19) VCF-style: chr11-65314283-CC-A.
Other names: c.1864_1865delinsT, p.Gly622fs (NM_001164266.1); c.2215_2216delinsT, p.Gly739fs (NM_021070.4); short protein forms G739fs, G622fs.
Identifiers: ClinVar variation 2137157 (VCV002137157.4), dbSNP rs2496149640, ClinGen allele CA2580084468.
Genomic context (GRCh38, chr11:65,546,812, plus strand): 5'-AGGCACCTGACGGCCCCACCCACTCGGCTCCGGGCCCCGCCCTCACCGCGACAGGCCCCG[CC>A]CCCCTGGCTGCGGTAGCCAGGCTGACAGGCGATGCACTTGAAGCTCCCGGGCTTGTTCTC-3'

ClinVar aggregate classification (germline): Pathogenic (1 of 4 stars; one submission).

Conditions:
Brachyolmia-amelogenesis imperfecta syndrome. Also called: Tooth agenesis, selective, 6; Dental anomalies and short stature; PLATYSPONDYLY WITH AMELOGENESIS IMPERFECTA. Identifiers: Orphanet 2899, MedGen C1832594, MONDO:0011018, OMIM 601216. Disease mechanism: loss of function.

Submission:

Labcorp Genetics (formerly Invitae), Labcorp
Classification: Pathogenic for Brachyolmia-amelogenesis imperfecta syndrome. Last evaluated: 2022-07-27. Review status: criteria provided, single submitter. Criteria: Invitae Variant Classification Sherloc (09022015). Collection method: clinical testing. Allele origin: germline.
Comment: This sequence change creates a premature translational stop signal (p.Gly739Serfs*7) in the LTBP3 gene. It is expected to result in an absent or disrupted protein product. Loss-of-function variants in LTBP3 are known to be pathogenic (PMID: 11790802, 19344874, 25669657). Information on the frequency of this variant in the gnomAD database is not available, as this variant may be reported differently in the database. This variant has not been reported in the literature in individuals affected with LTBP3-related conditions. ClinVar contains an entry for this variant (Variation ID: 204496). For these reasons, this variant has been classified as Pathogenic.

Literature cited by the submitters: PubMed 11790802; PubMed 19344874; PubMed 25669657.